The following is an entry in ClinVar:

ClinVar aggregate classification (germline): Uncertain significance (1 of 4 stars; one submission).

Conditions:
Inborn genetic diseases. Identifiers: MedGen C0950123, MeSH D030342.

Submission:

Ambry Genetics
Classification: Uncertain significance for Inborn genetic diseases. Last evaluated: 2025-10-18. Review status: criteria provided, single submitter. Criteria: Ambry Variant Classification Scheme 2023. Collection method: clinical testing. Allele origin: germline.
Comment: The c.6104A>G (p.N2035S) alteration is located in exon 8 (coding exon 8) of the ZNF292 gene. This alteration results from a A to G substitution at nucleotide position 6104, causing the asparagine (N) at amino acid position 2035 to be replaced by a serine (S). Based on data from gnomAD, the G allele has an overall frequency of 0.003% (1/31380) total alleles studied. The highest observed frequency was 0.007% (1/15420) of European (non-Finnish) alleles. Based on insufficient or conflicting evidence, the clinical significance of this alteration remains unclear.

NM_015021.3(ZNF292):c.6104A>G (p.Asn2035Ser)

Gene: ZNF292 (zinc finger protein 292; plus strand). Cytogenetic location: 6q14.3.
Variant type: single nucleotide variant.
Coding change: c.6104A>G on transcript NM_015021.3 (MANE Select); coding-DNA position 6104, A replaced by G.
Protein change: p.Asn2035Ser; replaces asparagine 2035 with serine.
Molecular consequence: missense variant.
Genome position (GRCh38, 1-based): chr6:87,259,733, A>G. VCF-style: chr6-87259733-A-G. GRCh37 (hg19) VCF-style: chr6-87969451-A-G.
Other names: c.5684A>G, p.Asn1895Ser (NM_001351444.2); short protein forms N2035S, N1895S.
Identifiers: ClinVar variation 4635180 (VCV004635180.1).